The following is an entry in ClinVar:

NM_000038.6(APC):c.6881G>A (p.Gly2294Glu)

Gene: APC (APC regulator of Wnt signaling pathway; plus strand). Cytogenetic location: 5q22.2.
Variant type: single nucleotide variant.
Coding change: c.6881G>A on transcript NM_000038.6 (MANE Select); coding-DNA position 6881, G replaced by A.
Protein change: p.Gly2294Glu; replaces glycine 2294 with glutamic acid.
Molecular consequence: missense variant.
Genome position (GRCh38, 1-based): chr5:112,842,475, G>A. VCF-style: chr5-112842475-G-A. GRCh37 (hg19) VCF-style: chr5-112178172-G-A.
Other names: c.6881G>A, p.Gly2294Glu (NM_001127510.3, NM_001354895.2); c.6827G>A, p.Gly2276Glu (NM_001127511.3); c.6935G>A, p.Gly2312Glu (NM_001354896.2); c.6911G>A, p.Gly2304Glu (NM_001354897.2); c.6806G>A, p.Gly2269Glu (NM_001354898.2); c.6797G>A, p.Gly2266Glu (NM_001354899.2); c.6758G>A, p.Gly2253Glu (NM_001354900.2); c.6704G>A, p.Gly2235Glu (NM_001354901.2); and 5 more; short protein forms G2276E, G2294E, G2134E, G2203E, G2312E, G2235E, G2193E, G2253E.
Identifiers: ClinVar variation 490348 (VCV000490348.17), dbSNP rs1554087820, ClinGen allele CA16036347.

ClinVar aggregate classification (germline): Uncertain significance. Review status: criteria provided, multiple submitters, no conflicts (2 of 4 stars). 3 submissions from 3 submitters: Uncertain significance (3). Last evaluated 2024-03-06.

Conditions:
Hereditary cancer-predisposing syndrome. Also called: Hereditary Cancer Syndrome; Neoplastic Syndromes, Hereditary; Tumor predisposition; Hereditary neoplastic syndrome. Identifiers: Orphanet 140162, MedGen C0027672, MeSH D009386, MONDO:0015356.
Familial adenomatous polyposis 1 (FAP1). Also called: POLYPOSIS, ADENOMATOUS INTESTINAL; FAMILIAL ADENOMATOUS POLYPOSIS 1, ATTENUATED. Identifiers: MedGen C2713442, MONDO:0021056, OMIM 175100. Disease mechanism: loss of function.

Submissions (3):

Labcorp Genetics (formerly Invitae), Labcorp
Classification: Uncertain significance for Familial adenomatous polyposis 1. Last evaluated: 2024-03-06. Review status: criteria provided, single submitter. Criteria: Invitae Variant Classification Sherloc (09022015). Collection method: clinical testing. Allele origin: germline.
Comment: This sequence change replaces glycine, which is neutral and non-polar, with glutamic acid, which is acidic and polar, at codon 2294 of the APC protein (p.Gly2294Glu). This variant is not present in population databases (gnomAD no frequency). This variant has not been reported in the literature in individuals affected with APC-related conditions. ClinVar contains an entry for this variant (Variation ID: 490348). Advanced modeling of protein sequence and biophysical properties (such as structural, functional, and spatial information, amino acid conservation, physicochemical variation, residue mobility, and thermodynamic stability) performed at Invitae indicates that this missense variant is not expected to disrupt APC protein function with a negative predictive value of 95%. In summary, the available evidence is currently insufficient to determine the role of this variant in disease. Therefore, it has been classified as a Variant of Uncertain Significance.

Color Diagnostics, LLC DBA Color Health
Classification: Uncertain significance for Hereditary cancer-predisposing syndrome. Last evaluated: 2023-12-05. Review status: criteria provided, single submitter. Criteria: ACMG Guidelines, 2015. Collection method: clinical testing. Allele origin: germline.
Comment: This missense variant replaces glycine with glutamic acid at codon 2294 of the APC protein. Computational prediction suggests that this variant may not impact protein structure and function (internally defined REVEL score threshold <= 0.5, PMID: 27666373). To our knowledge, functional studies have not been reported for this variant. This variant has not been reported in individuals affected with APC-related disorders in the literature. This variant has not been identified in the general population by the Genome Aggregation Database (gnomAD). The available evidence is insufficient to determine the role of this variant in disease conclusively. Therefore, this variant is classified as a Variant of Uncertain Significance.

Ambry Genetics
Classification: Uncertain significance for Hereditary cancer-predisposing syndrome. Last evaluated: 2021-11-04. Review status: criteria provided, single submitter. Criteria: Ambry Variant Classification Scheme 2023. Collection method: clinical testing. Allele origin: germline.
Comment: The p.G2294E variant (also known as c.6881G>A), located in coding exon 15 of the APC gene, results from a G to A substitution at nucleotide position 6881. The glycine at codon 2294 is replaced by glutamic acid, an amino acid with similar properties. This amino acid position is well conserved in available vertebrate species. In addition, in silico predictors for this gene do not accurately predict pathogenicity. Since supporting evidence is limited at this time, the clinical significance of this alteration remains unclear.